The following is an entry in ClinVar:

NM_182925.5(FLT4):c.2049C>T (p.Asn683=)

Gene: FLT4 (fms related receptor tyrosine kinase 4; minus strand). Cytogenetic location: 5q35.3.
Variant type: single nucleotide variant.
Coding change: c.2049C>T on transcript NM_182925.5 (MANE Select); coding-DNA position 2049, C replaced by T.
Protein change: p.Asn683=; no amino-acid change (asparagine 683 retained).
Molecular consequence: synonymous variant.
Genome position (GRCh38, 1-based): chr5:180,621,224, G>A on the plus strand (C>T on the coding strand, the complement: FLT4 is on the minus strand). VCF-style: chr5-180621224-G-A. GRCh37 (hg19) VCF-style: chr5-180048224-G-A.
Other names: c.2049C>T, p.Asn683= (NM_001354989.2, NM_002020.5).
Identifiers: ClinVar variation 3048702 (VCV003048702.2), dbSNP rs2480915854, ClinGen allele CA448384019.

ClinVar aggregate classification (germline): Likely benign (0 of 4 stars; one submission).

Conditions:
FLT4-related disorder. Also called: FLT4-related condition.

Submission:

PreventionGenetics, part of Exact Sciences
Classification: Likely benign for FLT4-related condition. Last evaluated: 2023-03-16. Review status: no assertion criteria provided. Collection method: clinical testing. Allele origin: germline.
Comment: This variant is classified as likely benign based on ACMG/AMP sequence variant interpretation guidelines (Richards et al. 2015 PMID: 25741868, with internal and published modifications).